The following is an entry in ClinVar:

ClinVar aggregate classification (germline): Uncertain significance (1 of 4 stars; one submission).

Conditions:
Marfan syndrome (MFS). Also called: MARFAN SYNDROME, TYPE I; Marfan syndrome type 1; Marfan's syndrome; Marfan syndrome, classic; FBN1-Related Marfan Syndrome. Identifiers: Orphanet 284963, Orphanet 558, MedGen C0024796, MONDO:0007947, OMIM 154700.

Allele frequency attached by ClinVar (database versions not stated): gnomAD exomes below 0.00001.
gnomAD v4.1: 1 of 1,613,596 alleles (0.000062%); highest among the groups gnomAD compares: Non-Finnish European, 0.000085%; no homozygotes.

Submission:

All of Us Research Program, National Institutes of Health
Classification: Uncertain significance for Marfan syndrome. Last evaluated: 2023-05-04. Review status: criteria provided, single submitter. Criteria: ACMG Guidelines, 2015. Collection method: clinical testing. Allele origin: germline. Inheritance: Autosomal dominant inheritance. Observed: 1 variant allele, 1 heterozygote.
Comment: This variant is located in the FBN1 protein. To our knowledge, functional studies have not been reported for this variant. This variant has not been reported in individuals affected with FBN1-related disorders in the literature. This variant has not been identified in the general population by the Genome Aggregation Database (gnomAD). The available evidence is insufficient to determine the role of this variant in disease conclusively. Therefore, this variant is classified as a Variant of Uncertain Significance.

This study involves interpretation of variants in research participants for the purpose of population health screening. Participant phenotype was not available at the time of variant classification. Additional details can be found in publication PMID: 35346344, PMCID: PMC8962531

NM_000138.5(FBN1):c.252T>C (p.Ile84=)

Gene: FBN1 (fibrillin 1; minus strand). Cytogenetic location: 15q21.1.
Variant type: single nucleotide variant.
Coding change: c.252T>C on transcript NM_000138.5 (MANE Select); coding-DNA position 252, T replaced by C.
Protein change: p.Ile84=; no amino-acid change (isoleucine 84 retained).
Molecular consequence: synonymous variant.
Genome position (GRCh38, 1-based): chr15:48,610,822, A>G on the plus strand (T>C on the coding strand, the complement: FBN1 is on the minus strand). VCF-style: chr15-48610822-A-G. GRCh37 (hg19) VCF-style: chr15-48903019-A-G.
Other names: c.252T>C, p.Ile84= (NM_001406716.1, NM_001406717.1).
Identifiers: ClinVar variation 3070669 (VCV003070669.1), dbSNP rs2505775863, ClinGen allele CA490090250.